The following is an entry in ClinVar:

NM_001365088.1(SLC12A6):c.1292C>T (p.Ser431Leu)

Gene: SLC12A6 (solute carrier family 12 member 6; minus strand). Cytogenetic location: 15q14.
Variant type: single nucleotide variant.
Coding change: c.1292C>T on transcript NM_001365088.1 (MANE Select); coding-DNA position 1292, C replaced by T.
Protein change: p.Ser431Leu; replaces serine 431 with leucine.
Molecular consequence: missense variant.
Genome position (GRCh38, 1-based): chr15:34,252,211, G>A on the plus strand (C>T on the coding strand, the complement: SLC12A6 is on the minus strand). VCF-style: chr15-34252211-G-A. GRCh37 (hg19) VCF-style: chr15-34544412-G-A.
Other names: c.1115C>T, p.Ser372Leu (NM_001042495.2, NM_001042494.2); c.1265C>T, p.Ser422Leu (NM_001042496.2); c.1247C>T, p.Ser416Leu (NM_001042497.2); c.1139C>T, p.Ser380Leu (NM_005135.2); c.1292C>T, p.Ser431Leu (NM_133647.2); short protein forms S372L, S416L, S431L, S422L, S380L.
Identifiers: ClinVar variation 1996028 (VCV001996028.4), dbSNP rs2509808867, ClinGen allele CA391607200.

ClinVar aggregate classification (germline): Uncertain significance (1 of 4 stars; one submission).

Submission:

Labcorp Genetics (formerly Invitae), Labcorp
Classification: Uncertain significance. Last evaluated: 2023-08-30. Review status: criteria provided, single submitter. Criteria: Invitae Variant Classification Sherloc (09022015). Collection method: clinical testing. Allele origin: germline.
Comment: ClinVar contains an entry for this variant (Variation ID: 1996028). This variant has not been reported in the literature in individuals affected with SLC12A6-related conditions. This variant is not present in population databases (gnomAD no frequency). This sequence change replaces serine, which is neutral and polar, with leucine, which is neutral and non-polar, at codon 431 of the SLC12A6 protein (p.Ser431Leu). Advanced modeling of protein sequence and biophysical properties (such as structural, functional, and spatial information, amino acid conservation, physicochemical variation, residue mobility, and thermodynamic stability) performed at Invitae indicates that this missense variant is not expected to disrupt SLC12A6 protein function. In summary, the available evidence is currently insufficient to determine the role of this variant in disease. Therefore, it has been classified as a Variant of Uncertain Significance.